The following is an entry in ClinVar:

ClinVar aggregate classification (germline): Uncertain significance. Review status: criteria provided, multiple submitters, no conflicts (2 of 4 stars). 2 submissions from 2 submitters: Uncertain significance (2). Last evaluated 2025-08-13.

Conditions:
Inborn genetic diseases. Identifiers: MedGen C0950123, MeSH D030342.

gnomAD v4.1: 15 of 1,588,812 alleles (0.00094%); highest among the groups gnomAD compares: African/African-American, 0.017%; no homozygotes.

Submissions (2):

Ambry Genetics
Classification: Uncertain significance for Inborn genetic diseases. Last evaluated: 2025-08-13. Review status: criteria provided, single submitter. Criteria: Ambry Variant Classification Scheme 2023. Collection method: clinical testing. Allele origin: germline.

Labcorp Genetics (formerly Invitae), Labcorp
Classification: Uncertain significance. Last evaluated: 2022-06-27. Review status: criteria provided, single submitter. Criteria: Invitae Variant Classification Sherloc (09022015). Collection method: clinical testing. Allele origin: germline.
Comment: This sequence change replaces serine, which is neutral and polar, with phenylalanine, which is neutral and non-polar, at codon 460 of the COL18A1 protein (p.Ser460Phe). The frequency data for this variant in the population databases is considered unreliable, as metrics indicate poor data quality at this position in the gnomAD database. This variant has not been reported in the literature in individuals affected with COL18A1-related conditions. Experimental studies and prediction algorithms are not available or were not evaluated, and the functional significance of this variant is currently unknown. In summary, the available evidence is currently insufficient to determine the role of this variant in disease. Therefore, it has been classified as a Variant of Uncertain Significance.

NM_001379500.1(COL18A1):c.1379C>T (p.Ser460Phe)

Gene: COL18A1 (collagen type XVIII alpha 1 chain; plus strand). Cytogenetic location: 21q22.3.
Variant type: single nucleotide variant.
Coding change: c.1379C>T on transcript NM_001379500.1 (MANE Select); coding-DNA position 1379, C replaced by T.
Protein change: p.Ser460Phe; replaces serine 460 with phenylalanine.
Molecular consequence: missense variant.
Genome position (GRCh38, 1-based): chr21:45,480,137, C>T. VCF-style: chr21-45480137-C-T. GRCh37 (hg19) VCF-style: chr21-46900051-C-T.
Other names: NM_130445.2:c.1379C>T; c.1919C>T, p.Ser640Phe (NM_030582.4); c.2624C>T, p.Ser875Phe (NM_130444.3); short protein forms S640F, S460F, S875F.
Identifiers: ClinVar variation 1369373 (VCV001369373.4), dbSNP rs750465152, ClinGen allele CA321917372.